The following is an entry in ClinVar:

ClinVar aggregate classification (germline): Uncertain significance (1 of 4 stars; one submission).

Allele frequency attached by ClinVar (database versions not stated): gnomAD 0.00001 and 0.00002; TOPMed 0.00001; gnomAD exomes 0.00002; ExAC 0.00003.
gnomAD v4.1: 32 of 1,614,036 alleles (0.002%); highest among the groups gnomAD compares: East Asian, 0.0045%; no homozygotes.

Submission:

Labcorp Genetics (formerly Invitae), Labcorp
Classification: Uncertain significance. Last evaluated: 2021-07-01. Review status: criteria provided, single submitter. Criteria: Invitae Variant Classification Sherloc (09022015). Collection method: clinical testing. Allele origin: germline.
Comment: In summary, the available evidence is currently insufficient to determine the role of this variant in disease. Therefore, it has been classified as a Variant of Uncertain Significance. Algorithms developed to predict the effect of missense changes on protein structure and function are either unavailable or do not agree on the potential impact of this missense change (SIFT: "Deleterious"; PolyPhen-2: "Probably Damaging"; Align-GVGD: "Class C0"). This variant has not been reported in the literature in individuals affected with ERMARD-related conditions. This variant is present in population databases (rs770400276, ExAC 0.006%). This sequence change replaces arginine with histidine at codon 232 of the ERMARD protein (p.Arg232His). The arginine residue is moderately conserved and there is a small physicochemical difference between arginine and histidine.

NM_018341.3(ERMARD):c.695G>A (p.Arg232His)

Gene: ERMARD (ER membrane associated RNA degradation; plus strand). Cytogenetic location: 6q27.
Variant type: single nucleotide variant.
Coding change: c.695G>A on transcript NM_018341.3 (MANE Select); coding-DNA position 695, G replaced by A.
Protein change: p.Arg232His; replaces arginine 232 with histidine.
Molecular consequence: missense variant.
Genome position (GRCh38, 1-based): chr6:169,759,927, G>A. VCF-style: chr6-169759927-G-A. GRCh37 (hg19) VCF-style: chr6-170160023-G-A.
Other names: c.695G>A, p.Arg232His (NM_001278531.2, NM_001278533.2); c.317G>A, p.Arg106His (NM_001278532.2); short protein forms R232H, R106H.
Identifiers: ClinVar variation 1437734 (VCV001437734.9), dbSNP rs770400276, ClinGen allele CA4105952.
Genomic context (GRCh38, chr6:169,759,927, plus strand): 5'-CAGGATTGGGTCAGTTACTGAAGAGTTACCTTCAAAACACTAAACTTACATTGGCACATC[G>A]CTCTTTCATATCTCTTACAAACCTCGAGGATTTGATTGTTTTTCCTGGTAAGTACTATGT-3'
Protein context (NP_060811.1, residues 222-242): LQNTKLTLAH[Arg232His]SFISLTNLED